The following is an entry in ClinVar:

NM_001363711.2(DUOX2):c.2560+1G>A

Gene: DUOX2 (dual oxidase 2; minus strand). Cytogenetic location: 15q21.1.
Variant type: single nucleotide variant.
Coding change: c.2560+1G>A on transcript NM_001363711.2 (MANE Select); the canonical splice donor site of the intron after coding-DNA position 2560, G replaced by A.
Molecular consequence: splice donor variant.
Genome position (GRCh38, 1-based): chr15:45,104,139, C>T on the plus strand (G>A on the coding strand, the complement: DUOX2 is on the minus strand). VCF-style: chr15-45104139-C-T. GRCh37 (hg19) VCF-style: chr15-45396337-C-T.
Other names: c.2560+1G>A (NM_014080.5).
Identifiers: ClinVar variation 2858413 (VCV002858413.3), dbSNP rs1219664039, ClinGen allele CA392269318.
Genomic context (GRCh38, chr15:45,104,139, plus strand): 5'-TCATCTCCTTGCTGAAAGACCCCTGGATTCTTGGATAGCCTGCCACCTCCCAGCCCCCTA[C>T]CTTTCATGAAGACCACCAGGATGTCCAGGAACTCTCGGAAGGACAGGTAGCCATTGCCAT-3'

ClinVar aggregate classification (germline): Likely pathogenic (1 of 4 stars; one submission).

Allele frequency attached by ClinVar (database versions not stated): gnomAD 0.00001.
gnomAD v4.1: 1 of 1,614,076 alleles (0.000062%); highest among the groups gnomAD compares: Non-Finnish European, 0.000085%; no homozygotes.

Submission:

Labcorp Genetics (formerly Invitae), Labcorp
Classification: Likely pathogenic. Last evaluated: 2023-04-22. Review status: criteria provided, single submitter. Criteria: Invitae Variant Classification Sherloc (09022015). Collection method: clinical testing. Allele origin: germline.
Comment: In summary, the currently available evidence indicates that the variant is pathogenic, but additional data are needed to prove that conclusively. Therefore, this variant has been classified as Likely Pathogenic. Algorithms developed to predict the effect of sequence changes on RNA splicing suggest that this variant may disrupt the consensus splice site. This variant has not been reported in the literature in individuals affected with DUOX2-related conditions. This variant is present in population databases (no rsID available, gnomAD 0.0009%). This sequence change affects a donor splice site in intron 19 of the DUOX2 gene. It is expected to disrupt RNA splicing. Variants that disrupt the donor or acceptor splice site typically lead to a loss of protein function (PMID: 16199547), and loss-of-function variants in DUOX2 are known to be pathogenic (PMID: 12110737, 18765513, 21565790, 24423310, 24735383).

Literature cited by the submitters: PubMed 16199547; PubMed 12110737; PubMed 18765513; PubMed 21565790; PubMed 24423310; PubMed 24735383.